The following is an entry in ClinVar:

NM_000535.7(PMS2):c.492C>A (p.Ser164=)

Gene: PMS2 (PMS1 homolog 2, mismatch repair system component; minus strand). Cytogenetic location: 7p22.1.
Variant type: single nucleotide variant.
Coding change: c.492C>A on transcript NM_000535.7 (MANE Select); coding-DNA position 492, C replaced by A.
Protein change: p.Ser164=; no amino-acid change (serine 164 retained).
Molecular consequence: synonymous variant. On other transcripts: 5 prime UTR variant (2), non-coding transcript variant (1), intron variant (1).
Genome position (GRCh38, 1-based): chr7:6,002,498, G>T on the plus strand (C>A on the coding strand, the complement: PMS2 is on the minus strand). VCF-style: chr7-6002498-G-T. GRCh37 (hg19) VCF-style: chr7-6042129-G-T.
Other names: c.87C>A, p.Ser29= (NM_001322003.2, NM_001322004.2, NM_001322005.2 and 24 more transcripts); c.492C>A, p.Ser164= (NM_001322006.2, NM_001322014.2, NM_001406869.1 and 8 more transcripts); c.174C>A, p.Ser58= (NM_001322007.2, NM_001322008.2, NM_001406876.1 and 4 more transcripts); c.-393C>A (NM_001322011.2, NM_001322012.2); c.183C>A, p.Ser61= (NM_001322015.2, NM_001406875.1, NM_001406877.1 and 6 more transcripts); c.678C>A, p.Ser226= (NM_001406866.1); c.516C>A, p.Ser172= (NM_001406868.1); c.250+1474C>A (NM_001406885.1).
Identifiers: ClinVar variation 3903934 (VCV003903934.1).

ClinVar aggregate classification (germline): Benign (1 of 4 stars; one submission).

Conditions:
Lynch syndrome 4 (LYNCH4). Also called: Colorectal cancer, hereditary nonpolyposis, type 4; Hereditary non-polyposis colorectal cancer, type 4. Identifiers: Orphanet 144, MedGen C1838333, MONDO:0013699, OMIM 614337. Disease mechanism: loss of function.

Submission:

Myriad Genetics, Inc.
Classification: Benign for Lynch syndrome 4. Last evaluated: 2025-01-27. Review status: criteria provided, single submitter. Criteria: Myriad Autosomal Dominant, Autosomal Recessive and X-Linked Classification Criteria (2023). Collection method: clinical testing. Allele origin: unknown.
Comment: This variant is considered benign. This variant is a silent/synonymous amino acid change and it is not expected to impact splicing.